The following is an entry in ClinVar:

ClinVar aggregate classification (germline): Uncertain significance. Review status: criteria provided, multiple submitters, no conflicts (2 of 4 stars). 2 submissions from 2 submitters: Uncertain significance (2). Last evaluated 2022-10-04.

Conditions:
Charcot-Marie-Tooth disease axonal type 2C (HMSN2C). Also called: CHARCOT-MARIE-TOOTH DISEASE, AXONAL, AUTOSOMAL DOMINANT, TYPE 2C; Charcot-Marie-Tooth Neuropathy Type 2C; Charcot-Marie-Tooth Disease Type 2, TRPV4-Related (CMT2C). Identifiers: Orphanet 99937, MedGen C1853710, MONDO:0011633, OMIM 606071.

Allele frequency attached by ClinVar (database versions not stated): gnomAD exomes below 0.00001 and 0.00001; ExAC 0.00001.
gnomAD v4.1: 4 of 1,613,508 alleles (0.00025%); highest among the groups gnomAD compares: Non-Finnish European, 0.00034%; no homozygotes.

Submissions (2):

Labcorp Genetics (formerly Invitae), Labcorp
Classification: Uncertain significance for Charcot-Marie-Tooth disease axonal type 2C. Last evaluated: 2022-10-04. Review status: criteria provided, single submitter. Criteria: Invitae Variant Classification Sherloc (09022015). Collection method: clinical testing. Allele origin: germline.
Comment: In summary, the available evidence is currently insufficient to determine the role of this variant in disease. Therefore, it has been classified as a Variant of Uncertain Significance. Variants that disrupt the consensus splice site are a relatively common cause of aberrant splicing (PMID: 17576681, 9536098). Algorithms developed to predict the effect of sequence changes on RNA splicing suggest that this variant may disrupt the consensus splice site. ClinVar contains an entry for this variant (Variation ID: 409287). This sequence change falls in intron 10 of the TRPV4 gene. It does not directly change the encoded amino acid sequence of the TRPV4 protein. It affects a nucleotide within the consensus splice site. This variant is present in population databases (rs756714651, gnomAD 0.002%). This variant has not been reported in the literature in individuals affected with TRPV4-related conditions.

Athena Diagnostics
Classification: Uncertain significance. Last evaluated: 2018-01-04. Review status: criteria provided, single submitter. Criteria: Athena Diagnostics Criteria. Collection method: clinical testing. Allele origin: germline.

Literature cited by the submitters: PubMed 17576681 (cited by Labcorp Genetics (formerly Invitae), Labcorp); PubMed 9536098 (cited by Labcorp Genetics (formerly Invitae), Labcorp).

NM_021625.5(TRPV4):c.1658+5G>A

Gene: TRPV4 (transient receptor potential cation channel subfamily V member 4; minus strand). Cytogenetic location: 12q24.11.
Variant type: single nucleotide variant.
Coding change: c.1658+5G>A on transcript NM_021625.5 (MANE Select); 5 bases into the intron after coding-DNA position 1658, G replaced by A.
Molecular consequence: intron variant.
Genome position (GRCh38, 1-based): chr12:109,793,522, C>T on the plus strand (G>A on the coding strand, the complement: TRPV4 is on the minus strand). VCF-style: chr12-109793522-C-T. GRCh37 (hg19) VCF-style: chr12-110231327-C-T.
Other names: c.1337+5G>A (NM_001177433.1); c.1517+5G>A (NM_001177428.1); c.1478+5G>A (NM_147204.2); c.1556+5G>A (NM_001177431.1).
Identifiers: ClinVar variation 409287 (VCV000409287.9), dbSNP rs756714651, ClinGen allele CA6780137.